The following is an entry in ClinVar:

NM_000092.5(COL4A4):c.1370-2A>C

Gene: COL4A4 (collagen type IV alpha 4 chain; minus strand). Cytogenetic location: 2q36.3.
Variant type: single nucleotide variant.
Coding change: c.1370-2A>C on transcript NM_000092.5 (MANE Select); the canonical splice acceptor site of the intron before coding-DNA position 1370, A replaced by C.
Molecular consequence: splice acceptor variant.
Genome position (GRCh38, 1-based): chr2:227,089,959, T>G on the plus strand (A>C on the coding strand, the complement: COL4A4 is on the minus strand). VCF-style: chr2-227089959-T-G. GRCh37 (hg19) VCF-style: chr2-227954675-T-G.
Other names: c.1370-2A>C (NM_000092.4).
Identifiers: ClinVar variation 2116124 (VCV002116124.5), dbSNP rs2059823776, ClinGen allele CA350850866.

ClinVar aggregate classification (germline): Likely pathogenic. Review status: criteria provided, multiple submitters, no conflicts (2 of 4 stars). 2 submissions from 2 submitters: Likely pathogenic (2). Last evaluated 2025-12-22.

Conditions:
Alport syndrome. Also called: Hemorrhagic familial nephritis; Hemorrhagic hereditary nephritis; Congenital hereditary hematuria. Identifiers: Orphanet 63, MedGen C1567741, MONDO:0018965.

Submissions (2):

Natera, Inc.
Classification: Likely pathogenic for Alport syndrome. Last evaluated: 2025-12-22. Review status: criteria provided, single submitter. Criteria: Natera Variant Classification Schema (03/2026). Collection method: clinical testing. Allele origin: germline.
Comment: The c.1370-2A>C variant in COL4A4 is a canonical splice acceptor site variant predicted to affect pre-mRNA splicing, which may result in an abnormal transcript and altered protein product. This variant is expected to result in nonsense mediated decay, truncation, or a dysfunctional protein product. This variant is rare in the general population with a frequency below the threshold expected for the associated phenotype(s). Given the available evidence, this variant is classified as Likely Pathogenic.

Labcorp Genetics (formerly Invitae), Labcorp
Classification: Likely pathogenic. Last evaluated: 2022-05-27. Review status: criteria provided, single submitter. Criteria: Invitae Variant Classification Sherloc (09022015). Collection method: clinical testing. Allele origin: germline.
Comment: Algorithms developed to predict the effect of sequence changes on RNA splicing suggest that this variant may disrupt the consensus splice site. This sequence change affects an acceptor splice site in intron 20 of the COL4A4 gene. It is expected to disrupt RNA splicing. Variants that disrupt the donor or acceptor splice site typically lead to a loss of protein function (PMID: 16199547), and loss-of-function variants in COL4A4 are known to be pathogenic (PMID: 21196518, 24854265, 25307543). This variant is not present in population databases (gnomAD no frequency). This variant has not been reported in the literature in individuals affected with COL4A4-related conditions. In summary, the currently available evidence indicates that the variant is pathogenic, but additional data are needed to prove that conclusively. Therefore, this variant has been classified as Likely Pathogenic.

Literature cited by the submitters: PubMed 16199547 (cited by Labcorp Genetics (formerly Invitae), Labcorp); PubMed 21196518 (cited by Labcorp Genetics (formerly Invitae), Labcorp); PubMed 24854265 (cited by Labcorp Genetics (formerly Invitae), Labcorp); PubMed 25307543 (cited by Labcorp Genetics (formerly Invitae), Labcorp).